The following is an entry in ClinVar:

ClinVar aggregate classification (germline): Pathogenic (1 of 4 stars; one submission).

Conditions:
Fetal akinesia deformation sequence 1 (FADS1). Also called: Fetal akinesia sequence; Pena-Shokeir syndrome type I. Identifiers: Orphanet 994, MedGen C1276035, MONDO:0100101, OMIM 208150, HP:0001989.
Congenital myasthenic syndrome 9. Also called: Myasthenic syndrome, congenital, 9, associated with acetylcholine receptor deficiency. Identifiers: Orphanet 590, MedGen C4225368, MONDO:0014587, OMIM 616325.

Submission:

Labcorp Genetics (formerly Invitae), Labcorp
Classification: Pathogenic for Congenital myasthenic syndrome 9; Fetal akinesia deformation sequence 1. Last evaluated: 2023-05-22. Review status: criteria provided, single submitter. Criteria: Invitae Variant Classification Sherloc (09022015). Collection method: clinical testing. Allele origin: germline.
Comment: This sequence change creates a premature translational stop signal (p.Gln56Profs*3) in the MUSK gene. It is expected to result in an absent or disrupted protein product. Loss-of-function variants in MUSK are known to be pathogenic (PMID: 8653786, 25612909, 25695962, 25900532). This variant is not present in population databases (gnomAD no frequency). This variant has not been reported in the literature in individuals affected with MUSK-related conditions. For these reasons, this variant has been classified as Pathogenic.

Literature cited by the submitters: PubMed 8653786; PubMed 25612909; PubMed 25695962; PubMed 25900532.

NM_005592.4(MUSK):c.166dup (p.Gln56fs)

Gene: MUSK (muscle associated receptor tyrosine kinase; plus strand). Cytogenetic location: 9q31.3.
Variant type: Duplication.
Coding change: c.166dup on transcript NM_005592.4 (MANE Select); coding-DNA position 166, one base duplicated (C; older notation c.166dupC).
Protein change: p.Gln56fs; shifts the reading frame from glutamine 56.
Molecular consequence: frameshift variant.
Genome position (GRCh38, 1-based): chr9:110,682,760, C duplicated; the last of 5 consecutive C bases (chr9:110,682,756-110,682,760); duplicating any one gives the same sequence. VCF-style (leftmost placement, unchanged base first): chr9-110682755-A-AC. GRCh37 (hg19) VCF-style: chr9-113445035-A-AC.
Other names: c.166dup, p.Gln56fs (NM_001166280.2, NM_001166281.2); short protein forms Q56fs.
Identifiers: ClinVar variation 2948129 (VCV002948129.3), dbSNP rs2490567590, ClinGen allele CA2740095555.
Genomic context (GRCh38, chr9:110,682,755, plus strand): 5'-TTGAAACAGTGGATGCCTTAGTTGAAGAAGTGGCTACTTTCATGTGTGCAGTGGAATCCT[A>AC]CCCCCAGCCTGAGATTTCCTGGACTAGAAATAAAATTCTCATTAAGTAAGTATTCCACAT-3'